The following is an entry in ClinVar:

ClinVar aggregate classification (germline): Likely benign. Review status: criteria provided, multiple submitters, no conflicts (2 of 4 stars). 2 submissions from 2 submitters: Likely benign (2). Last evaluated 2025-11-26.

Conditions:
UTP4-related disorder. Also called: UTP4-related condition.

Allele frequency attached by ClinVar (database versions not stated): TOPMed 0.00002; gnomAD 0.00003; ExAC 0.00006; 1000 Genomes Project 30x 0.00016; 1000 Genomes Project 0.00020.
gnomAD v4.1: 145 of 1,613,910 alleles (0.009%); highest among the groups gnomAD compares: Non-Finnish European, 0.012%; no homozygotes.

Submissions (2):

PreventionGenetics, part of Exact Sciences
Classification: Likely benign for UTP4-related condition. Last evaluated: 2025-11-26. Review status: criteria provided, single submitter. Criteria: ACMG Guidelines, 2015. Collection method: clinical testing. Allele origin: germline.
Comment: This variant is classified as likely benign based on ACMG/AMP sequence variant interpretation guidelines (Richards et al. 2015 PMID: 25741868, with internal and published modifications).

Labcorp Genetics (formerly Invitae), Labcorp
Classification: Likely benign. Last evaluated: 2023-05-31. Review status: criteria provided, single submitter. Criteria: Invitae Variant Classification Sherloc (09022015). Collection method: clinical testing. Allele origin: germline.

NM_032830.3(UTP4):c.465C>T (p.Pro155=)

Gene: UTP4 (UTP4 small subunit processome component). Cytogenetic location: 16q22.1.
Variant type: single nucleotide variant.
Coding change: c.465C>T on transcript NM_032830.3 (MANE Select); coding-DNA position 465, C replaced by T.
Protein change: p.Pro155=; no amino-acid change (proline 155 retained).
Molecular consequence: synonymous variant.
Genome position (GRCh38, 1-based): chr16:69,139,853, C>T. VCF-style: chr16-69139853-C-T. GRCh37 (hg19) VCF-style: chr16-69173756-C-T.
Other names: c.465C>T (NM_032830.2); c.216C>T, p.Pro72= (NM_001318391.2).
Identifiers: ClinVar variation 2712960 (VCV002712960.4), dbSNP rs535751187, ClinGen allele CA8132057.
Genomic context (GRCh38, chr16:69,139,853, plus strand): 5'-TCACTTTCTTTTTTTGTTGTCCAACTCCCAAGGTCGCATCCTGAGTCTCAGCTGGCATCC[C>T]TCTGGTACCCACATTGCAGCTGGTTCCATAGACTACATTAGTGTGTTTGATGTCAAATCA-3'
Protein context (NP_116219.2, residues 145-165): KSRILSLSWH[Pro155=]SGTHIAAGSI